The following is an entry in ClinVar:

NM_001378454.1(ALMS1):c.7013C>A (p.Thr2338Lys)

Gene: ALMS1 (ALMS1 centrosome and basal body associated protein; plus strand). Cytogenetic location: 2p13.1.
Variant type: single nucleotide variant.
Coding change: c.7013C>A on transcript NM_001378454.1 (MANE Select); coding-DNA position 7013, C replaced by A.
Protein change: p.Thr2338Lys; replaces threonine 2338 with lysine.
Molecular consequence: missense variant.
Genome position (GRCh38, 1-based): chr2:73,453,540, C>A. VCF-style: chr2-73453540-C-A. GRCh37 (hg19) VCF-style: chr2-73680667-C-A.
Other names: c.7016C>A, p.Thr2339Lys (NM_015120.4); short protein forms T2339K, T2338K.
Identifiers: ClinVar variation 392523 (VCV000392523.7), dbSNP rs373004988, ClinGen allele CA1714166.

ClinVar aggregate classification (germline): Uncertain significance. Review status: criteria provided, single submitter (1 of 4 stars). 3 submissions from 3 submitters: Uncertain significance (1). 2 of the submissions do not count toward it. Last evaluated 2017-01-06.

Conditions:
Alstrom syndrome (ALMS). Identifiers: Orphanet 64, MedGen C0268425, MONDO:0008763, OMIM 203800.

Allele frequency attached by ClinVar (database versions not stated): TOPMed 0.00001; ESP Exome Variant Server 0.00008.
gnomAD v4.1: 2 of 1,613,588 alleles (0.00012%); highest among the groups gnomAD compares: African/African-American, 0.0013%; no homozygotes.

Submissions (3):

GeneDx
Classification: Uncertain significance. Last evaluated: 2017-01-06. Review status: criteria provided, single submitter. Criteria: GeneDx Variant Classification (06012015). Collection method: clinical testing. Allele origin: germline. Affected: yes.
Comment: A variant of uncertain significance has been identified in the ALMS1 gene. The T2339K variant has not been published as a pathogenic variant or been reported as a benign variant to our knowledge. This variant was not observed with any significant frequency in both the Exome Aggregation Consortium and in approximately 6,00 individuals of European and African American ancestry in the NHLBI Exome Sequencing Project, indicating it is not a common benign variant in these populations. The T2339K variant is a semi-conservative amino acid substitution, which may impact secondary protein structure as these residues differ in some properties. This substitution occurs at a position that is conserved in mammals. Furthermore, in silico analysis predicts this variant is probably damaging to the protein structure/function.Therefore, based on the currently available information, it is unclear whether this variant is pathogenic or benign. This result cannot be interpreted for diagnosis or used for family member screening at this time. As Alstrom syndrome due to pathogenic variants in the ALMS1 gene is an autosomal recessive disease, it is expected that an affected individual would harbor variants in both alleles of the ALMS1 gene (in trans). No second variant was identified by this sequencing or deletion/duplication analysis. The possibility that this patient harbors a second ALMS1 variant that is undetectable by this test cannot be excluded.

Natera, Inc.
Classification: Uncertain significance for Alstrom syndrome. Last evaluated: 2021-09-09. Review status: no assertion criteria provided. Collection method: clinical testing. Allele origin: germline. Not counted in ClinVar's aggregate classification.

Counsyl
Classification: Uncertain significance for Alstrom syndrome. Last evaluated: 2017-06-14. Review status: no assertion criteria provided. Collection method: clinical testing. Allele origin: unknown. Not counted in ClinVar's aggregate classification.